The following is an entry in ClinVar:

NM_000152.5(GAA):c.1754+11C>T

Gene: GAA (alpha glucosidase; plus strand). Cytogenetic location: 17q25.3.
Variant type: single nucleotide variant.
Coding change: c.1754+11C>T on transcript NM_000152.5 (MANE Select); 11 bases into the intron after coding-DNA position 1754, C replaced by T.
Molecular consequence: intron variant.
Genome position (GRCh38, 1-based): chr17:80,112,111, C>T. VCF-style: chr17-80112111-C-T. GRCh37 (hg19) VCF-style: chr17-78085910-C-T.
Other names: p.?; c.1754+11C>T (NM_001079803.3, NM_001079804.3).
Identifiers: ClinVar variation 1331089 (VCV001331089.17), dbSNP rs371644603, ClinGen allele CA8815449.

ClinVar aggregate classification (germline): Likely benign. Review status: criteria provided, multiple submitters, no conflicts (2 of 4 stars). 5 submissions from 5 submitters: Likely benign (5). Last evaluated 2026-01-21.

Conditions:
Glycogen storage disease, type II (IOPD). Also called: GLYCOGENOSIS, GENERALIZED, CARDIAC FORM; GSD II; Glycogen storage disease type 2; Acid maltase deficiency disease; Aglucosidase alfa; Deficiency of alpha-glucosidase. Identifiers: Orphanet 365, MedGen C0017921, MONDO:0009290, OMIM 232300.

Allele frequency attached by ClinVar (database versions not stated): gnomAD exomes 0.00004 and 0.00008; ExAC 0.00013; gnomAD 0.00030 and 0.00034; TOPMed 0.00032; ESP Exome Variant Server 0.00038.
gnomAD v4.1: 105 of 1,607,102 alleles (0.0065%); highest among the groups gnomAD compares: African/African-American, 0.11%; no homozygotes.

Submissions (5):

Labcorp Genetics (formerly Invitae), Labcorp
Classification: Likely benign for Glycogen storage disease, type II. Last evaluated: 2026-01-21. Review status: criteria provided, single submitter. Criteria: Invitae Variant Classification Sherloc (09022015). Collection method: clinical testing. Allele origin: germline.

Mayo Clinic Laboratories, Mayo Clinic
Classification: Likely benign. Last evaluated: 2025-08-14. Review status: criteria provided, single submitter. Criteria: ACMG Guidelines, 2015. Collection method: clinical testing. Allele origin: germline. Observed: 1 variant allele.
Comment: BP4, BP7

ARUP Laboratories, Molecular Genetics and Genomics, ARUP Laboratories
Classification: Likely benign for Glycogen storage disease, type II. Last evaluated: 2023-11-29. Review status: criteria provided, single submitter. Criteria: ARUP Molecular Germline Variant Investigation Process 2024. Collection method: clinical testing. Allele origin: germline.

Fulgent Genetics
Classification: Likely benign for Glycogen storage disease, type II. Last evaluated: 2021-07-28. Review status: criteria provided, single submitter. Criteria: ACMG Guidelines, 2015. Collection method: clinical testing. Allele origin: unknown.

Blueprint Genetics
Classification: Likely benign. Last evaluated: 2020-03-30. Review status: criteria provided, single submitter. Criteria: ACMG Guidelines, 2015. Collection method: clinical testing. Allele origin: germline.